The following is an entry in ClinVar:

NM_004304.5(ALK):c.953-2A>G

Gene: ALK (ALK receptor tyrosine kinase; minus strand). Cytogenetic location: 2p23.2.
Variant type: single nucleotide variant.
Coding change: c.953-2A>G on transcript NM_004304.5 (MANE Select); the canonical splice acceptor site of the intron before coding-DNA position 953, A replaced by G.
Molecular consequence: splice acceptor variant.
Genome position (GRCh38, 1-based): chr2:29,532,118, T>C on the plus strand (A>G on the coding strand, the complement: ALK is on the minus strand). VCF-style: chr2-29532118-T-C. GRCh37 (hg19) VCF-style: chr2-29754984-T-C.
Identifiers: ClinVar variation 2720597 (VCV002720597.3), dbSNP rs2148158847, ClinGen allele CA346587593.

ClinVar aggregate classification (germline): Uncertain significance (1 of 4 stars; one submission).

Conditions:
Neuroblastoma, susceptibility to, 3. Also called: ALK-Related Neuroblastic Tumor Susceptibility. Identifiers: Orphanet 635, MedGen C2751681, MONDO:0013083, OMIM 613014.

Submission:

Labcorp Genetics (formerly Invitae), Labcorp
Classification: Uncertain significance for Neuroblastoma, susceptibility to, 3. Last evaluated: 2025-04-17. Review status: criteria provided, single submitter. Criteria: Invitae Variant Classification Sherloc (09022015). Collection method: clinical testing. Allele origin: germline.
Comment: This sequence change affects an acceptor splice site in intron 3 of the ALK gene. It is expected to disrupt RNA splicing. Variants that disrupt the donor or acceptor splice site typically lead to a loss of protein function (PMID: 16199547), however the current clinical and genetic evidence is not sufficient to establish whether loss-of-function variants in ALK cause disease. This variant is not present in population databases (gnomAD no frequency). This variant has not been reported in the literature in individuals affected with ALK-related conditions. ClinVar contains an entry for this variant (Variation ID: 2720597). Algorithms developed to predict the effect of sequence changes on RNA splicing suggest that this variant may disrupt the consensus splice site. In summary, the available evidence is currently insufficient to determine the role of this variant in disease. Therefore, it has been classified as a Variant of Uncertain Significance.

Literature cited by the submitters: PubMed 16199547.